The following is an entry in ClinVar:

NM_017780.4(CHD7):c.4353+3A>G

Gene: CHD7 (chromodomain helicase DNA binding protein 7; plus strand). Cytogenetic location: 8q12.2.
Variant type: single nucleotide variant.
Coding change: c.4353+3A>G on transcript NM_017780.4 (MANE Select); 3 bases into the intron after coding-DNA position 4353, A replaced by G.
Molecular consequence: intron variant.
Genome position (GRCh38, 1-based): chr8:60,837,838, A>G. VCF-style: chr8-60837838-A-G. GRCh37 (hg19) VCF-style: chr8-61750397-A-G.
Other names: c.4353+3A>G (LRG_176t1); c.1717-24391A>G (NM_001316690.1).
Identifiers: ClinVar variation 158295 (VCV000158295.7), dbSNP rs587783441, ClinGen allele CA271304.
Genomic context (GRCh38, chr8:60,837,838, plus strand): 5'-GGGCCTGGATAAAGCTGTGCTACAGTCTATGAGTGGAAGAGAAAATGCTACCAATGGGGT[A>G]AAACCACCCTTGCCCAAACCATTTATTTATTCTGGCACTTTCCTTTATTTAACTAATAGT-3'

ClinVar aggregate classification (germline): Likely pathogenic. Review status: criteria provided, multiple submitters, no conflicts (2 of 4 stars). 2 submissions from 2 submitters: Likely pathogenic (2). Last evaluated 2018-02-12.

Conditions:
CHARGE syndrome (CHARGE). Also called: CHARGE ASSOCIATION--COLOBOMA, HEART ANOMALY, CHOANAL ATRESIA, RETARDATION, GENITAL AND EAR ANOMALIES; Hittner Hirsch Kreh syndrome; Coloboma, heart anomaly, choanal atresia, retardation, genital and ear anomalies; CHARGE association; Hall-Hittner syndrome. Identifiers: Orphanet 138, MedGen C0265354, MONDO:0008965.

Submissions (2):

GeneDx
Classification: Likely pathogenic. Last evaluated: 2018-02-12. Review status: criteria provided, single submitter. Criteria: GeneDx Variant Classification (06012015). Collection method: clinical testing. Allele origin: germline. Affected: yes.
Comment: The c.4353+3A>G splice site variant in the CHD7 gene has been previously reported de novo in at least one individual with a clinical diagnosis of CHARGE syndrome (Cappuccio et al., 2014). This variant reduces the quality of the splice donor site in intron 18, and is expected to cause abnormal gene splicing. The c.4353+3A>G variant is not observed in large population cohorts (Lek et al., 2016). Based on currently available evidence, we consider this to be a likely pathogenic variant.

Genetic Services Laboratory, University of Chicago
Classification: Likely pathogenic for CHARGE syndrome. Last evaluated: 2013-02-08. Review status: criteria provided, single submitter. Criteria: ACMG Guidelines, 2007. Collection method: clinical testing. Allele origin: germline. Inheritance: Autosomal dominant inheritance. Affected: yes.